The following is an entry in ClinVar:

NM_012062.5(DNM1L):c.729_733dup (p.Val245delinsGluTer)

Gene: DNM1L (dynamin 1 like; plus strand). Cytogenetic location: 12p11.21.
Variant type: Duplication.
Coding change: c.729_733dup on transcript NM_012062.5 (MANE Select); coding-DNA positions 729 to 733, 5 bases duplicated (AGTAG; older notation c.729_733dupAGTAG).
Protein change: p.Val245delinsGluTer.
Molecular consequence: nonsense. On other transcripts: intron variant (1).
Genome position (GRCh38, 1-based): chr12:32,718,752-32,718,756, AGTAG duplicated; duplicating any 5 consecutive bases within chr12:32,718,751-32,718,756 gives the same sequence; the c. name uses the placement nearest the transcript's 3' end. VCF-style (leftmost placement, unchanged base first): chr12-32718750-G-GGAGTA. GRCh37 (hg19) VCF-style: chr12-32871684-G-GGAGTA.
Other names: c.729_733dup, p.Val245delinsGluTer (NM_001278463.2, NM_005690.5, NM_012063.4); c.768_772dup, p.Val258delinsGluTer (NM_001278464.2, NM_001278465.2, NM_001330380.2); c.132-1912_132-1908dup (NM_001278466.2).
Identifiers: ClinVar variation 3775615 (VCV003775615.1).

ClinVar aggregate classification (germline): Likely pathogenic (1 of 4 stars; one submission).

Conditions:
Encephalopathy, lethal, due to defective mitochondrial peroxisomal fission 1. Identifiers: Orphanet 330050, MedGen C3280660, MONDO:0013726, OMIM 614388.

Submission:

3billion
Classification: Likely pathogenic for Encephalopathy, lethal, due to defective mitochondrial peroxisomal fission 1. Last evaluated: 2023-07-04. Review status: criteria provided, single submitter. Criteria: ACMG Guidelines, 2015. Collection method: clinical testing. Allele origin: germline. Affected: yes.
Comment: The variant is not observed in the gnomAD v2.1.1 dataset. Predicted Consequence/Location: Frameshift: predicted to result in a loss or disruption of normal protein function through nonsense-mediated decay (NMD) or protein truncation. Multiple pathogenic variants are reported downstream of the variant. Therefore, this variant is classified as Likely pathogenic according to the recommendation of ACMG/AMP guideline.